The following is an entry in ClinVar:

ClinVar aggregate classification (germline): Uncertain significance (1 of 4 stars; one submission).

Conditions:
Neurofibromatosis, type 1 (NF1). Also called: Peripheral type neurofibromatosis; NEUROFIBROMATOSIS, TYPE I, SOMATIC; Neurofibromatosis, type I; VON RECKLINGHAUSEN DISEASE. Identifiers: Orphanet 636, MedGen C0027831, MONDO:0018975, OMIM 162200. Disease mechanism: loss of function.

Submission:

Labcorp Genetics (formerly Invitae), Labcorp
Classification: Uncertain significance for Neurofibromatosis, type 1. Last evaluated: 2024-04-29. Review status: criteria provided, single submitter. Criteria: Invitae Variant Classification Sherloc (09022015). Collection method: clinical testing. Allele origin: germline.
Comment: This sequence change replaces asparagine, which is neutral and polar, with lysine, which is basic and polar, at codon 29 of the NF1 protein (p.Asn29Lys). This variant is not present in population databases (gnomAD no frequency). This variant has not been reported in the literature in individuals affected with NF1-related conditions. ClinVar contains an entry for this variant (Variation ID: 2130802). Advanced modeling of protein sequence and biophysical properties (such as structural, functional, and spatial information, amino acid conservation, physicochemical variation, residue mobility, and thermodynamic stability) performed at Invitae indicates that this missense variant is not expected to disrupt NF1 protein function with a negative predictive value of 95%. In summary, the available evidence is currently insufficient to determine the role of this variant in disease. Therefore, it has been classified as a Variant of Uncertain Significance.

NM_001042492.3(NF1):c.87C>A (p.Asn29Lys)

Gene: NF1 (neurofibromin 1; plus strand). Cytogenetic location: 17q11.2.
Variant type: single nucleotide variant.
Coding change: c.87C>A on transcript NM_001042492.3 (MANE Select); coding-DNA position 87, C replaced by A.
Protein change: p.Asn29Lys; replaces asparagine 29 with lysine.
Molecular consequence: missense variant.
Genome position (GRCh38, 1-based): chr17:31,156,009, C>A. VCF-style: chr17-31156009-C-A. GRCh37 (hg19) VCF-style: chr17-29483027-C-A.
Other names: c.87C>A, p.Asn29Lys (NM_000267.4, NM_001128147.3); short protein forms N29K.
Identifiers: ClinVar variation 2130802 (VCV002130802.4), dbSNP rs1060503914, ClinGen allele CA398988167.
Genomic context (GRCh38, chr17:31,156,009, plus strand): 5'-CTGTTAACGTGTTTTTTTTTTCTTTTTTTTTCAGCTTCCAATAAAAACAGGACAGCAGAA[C>A]ACACATACCAAAGTCAGTACTGAGCACAACAAGGAATGTCTAATCAATATTTCCAAATAC-3'
Protein context (NP_001035957.1, residues 19-39): EQLPIKTGQQ[Asn29Lys]THTKVSTEHN